The following is an entry in ClinVar:

ClinVar aggregate classification (germline): Pathogenic/Likely pathogenic. Review status: criteria provided, multiple submitters, no conflicts (2 of 4 stars). 3 submissions from 3 submitters: Pathogenic (1); Likely pathogenic (2). Last evaluated 2024-07-04.

Conditions:
TCTN1-related disorder. Also called: TCTN1-related condition.
Meckel-Gruber syndrome. Also called: Dysencephalia splachnocystica; DYSENCEPHALIA SPLANCHNOCYSTICA; GRUBER SYNDROME. Identifiers: Orphanet 564, MedGen C0265215, MONDO:0018921.
Joubert syndrome. Also called: Familial aplasia of the vermis; JOUBERT-BOLTSHAUSER SYNDROME. Identifiers: Orphanet 475, MedGen C5979921, MONDO:0018772.
Joubert syndrome 13 (JBTS13). Identifiers: Orphanet 475, MedGen C3280031, MONDO:0013608, OMIM 614173.

Submissions (3):

Labcorp Genetics (formerly Invitae), Labcorp
Classification: Pathogenic for Joubert syndrome; Meckel-Gruber syndrome. Last evaluated: 2024-07-04. Review status: criteria provided, single submitter. Criteria: Invitae Variant Classification Sherloc (09022015). Collection method: clinical testing. Allele origin: germline.
Comment: This sequence change creates a premature translational stop signal (p.Arg138Serfs*3) in the TCTN1 gene. It is expected to result in an absent or disrupted protein product. Loss-of-function variants in TCTN1 are known to be pathogenic (PMID: 21725307, 22693042, 27894351). This variant is not present in population databases (gnomAD no frequency). This variant has not been reported in the literature in individuals affected with TCTN1-related conditions. ClinVar contains an entry for this variant (Variation ID: 1451187). For these reasons, this variant has been classified as Pathogenic.

Fulgent Genetics
Classification: Likely pathogenic for Joubert syndrome 13. Last evaluated: 2024-06-01. Review status: criteria provided, single submitter. Criteria: ACMG Guidelines, 2015. Collection method: clinical testing. Allele origin: germline.

Blueprint Genetics
Classification: Likely pathogenic for TCTN1-related disorders. Last evaluated: 2019-01-23. Review status: criteria provided, single submitter. Criteria: ACMG Guidelines, 2015. Collection method: clinical testing. Allele origin: germline. Affected: yes. Observed: 1 variant allele.

Literature cited by the submitters: PubMed 21725307 (cited by Labcorp Genetics (formerly Invitae), Labcorp); PubMed 22693042 (cited by Labcorp Genetics (formerly Invitae), Labcorp); PubMed 27894351 (cited by Labcorp Genetics (formerly Invitae), Labcorp).

NM_001082538.3(TCTN1):c.411_412del (p.Arg138fs)

Gene: TCTN1 (tectonic family member 1; plus strand). Cytogenetic location: 12q24.11.
Variant type: Deletion.
Coding change: c.411_412del on transcript NM_001082538.3 (MANE Select); coding-DNA positions 411 to 412, 2 bases deleted (AA; older notation c.411_412delAA).
Protein change: p.Arg138fs; shifts the reading frame from arginine 138.
Molecular consequence: frameshift variant. On other transcripts: 5 prime UTR variant (1), non-coding transcript variant (1).
Genome position (GRCh38, 1-based): chr12:110,626,431-110,626,432, AA deleted; deleting any 2 consecutive bases within chr12:110,626,430-110,626,432 gives the same sequence; the c. name uses the placement nearest the transcript's 3' end. VCF-style (leftmost placement, unchanged base first): chr12-110626429-CAA-C. GRCh37 (hg19) VCF-style: chr12-111064234-CAA-C.
Other names: c.411_412del, p.Arg138fs (NM_001082537.3, NM_001319680.2, NM_024549.6); c.243_244del, p.Arg82fs (NM_001173975.3, NM_001319682.3); c.231_232del, p.Arg78fs (NM_001173976.2); c.-297_-296del (NM_001319681.2); short protein forms R82fs, R78fs, R138fs.
Identifiers: ClinVar variation 1451187 (VCV001451187.8), dbSNP rs1398514249, ClinGen allele CA386701693.